The following is an entry in ClinVar:

NM_001372044.2(SHANK3):c.4290T>A (p.Ser1430=)

Gene: SHANK3 (SH3 and multiple ankyrin repeat domains 3; plus strand). Cytogenetic location: 22q13.33.
Variant type: single nucleotide variant.
Coding change: c.4290T>A on transcript NM_001372044.2 (MANE Select); coding-DNA position 4290, T replaced by A.
Protein change: p.Ser1430=; no amino-acid change (serine 1430 retained).
Molecular consequence: synonymous variant.
Genome position (GRCh38, 1-based): chr22:50,721,898, T>A. VCF-style: chr22-50721898-T-A. GRCh37 (hg19) VCF-style: chr22-51160326-T-A.
Identifiers: ClinVar variation 4873931 (VCV004873931.2).

ClinVar aggregate classification (germline): Likely benign (1 of 4 stars; one submission).

Submission:

CeGaT Center for Human Genetics Tuebingen
Classification: Likely benign. Last evaluated: 2026-04-01. Review status: criteria provided, single submitter. Criteria: CeGaT Center For Human Genetics Tuebingen Variant Classification Criteria Version 2. Collection method: clinical testing. Allele origin: germline. Affected: yes. Observed: 1 variant allele.
Comment: SHANK3: PM2:Supporting, BP4, BP7